The following is an entry in ClinVar:

ClinVar aggregate classification (germline): Pathogenic/Likely pathogenic. Review status: criteria provided, multiple submitters, no conflicts (2 of 4 stars). 9 submissions from 8 submitters: Pathogenic (6); Likely pathogenic (2). 1 of the submissions does not count toward it. Last evaluated 2025-08-11.

Conditions:
Rare genetic deafness. Identifiers: Orphanet 96210, MedGen C5680250.
Autosomal recessive nonsyndromic hearing loss 4 (DFNB4). Also called: Deafness, autosomal recessive 4, with enlarged vestibular aqueduct; Deafness, autosomal recessive 4; Enlarged vestibular aqueduct, digenic; FOXI1-Related Pendred Syndrome; KCNJ10-Related Pendred Syndrome; Nonsyndromic enlarged vestibular aqueduct (NSEVA). Identifiers: Orphanet 90636, MedGen C3538946, MONDO:0010933, OMIM 600791.
Pendred syndrome (PDS). Also called: Pendred's syndrome; Pendred Syndrome (PDS); THYROID DYSHORMONOGENESIS 2B; THYROID HORMONOGENESIS, GENETIC DEFECT IN, 2B; DEAFNESS WITH GOITER; GOITER-DEAFNESS SYNDROME. Identifiers: Orphanet 705, MedGen C0271829, MONDO:0010134, OMIM 274600.

Allele frequency attached by ClinVar (database versions not stated): TOPMed below 0.00001; gnomAD 0.00001; gnomAD exomes below 0.00001.
gnomAD v4.1: 4 of 1,612,166 alleles (0.00025%); highest among the groups gnomAD compares: African/African-American, 0.0013%; no homozygotes.

Submissions (9):

Natera, Inc.
Classification: Pathogenic for Pendred syndrome. Last evaluated: 2025-08-11. Review status: criteria provided, single submitter. Criteria: Natera Variant Classification Schema (03/2026). Collection method: clinical testing. Allele origin: germline.
Comment: The c.1336C>T variant in SLC26A4 is a nonsense variant predicted to introduce a stop codon at amino acid 446. This variant is expected to result in nonsense mediated decay, truncation, or a dysfunctional protein product. This variant is rare in the general population with a frequency below the threshold expected for the associated phenotype(s). This variant has been observed in one or more individuals affected with the associated recessive disease, as either homozygous or compound heterozygous with a second variant (PMID: 33597575). Given the available evidence, this variant is classified as Pathogenic.

Fulgent Genetics
Classification: Pathogenic for Pendred syndrome; Autosomal recessive nonsyndromic hearing loss 4. Last evaluated: 2024-05-24. Review status: criteria provided, single submitter. Criteria: ACMG Guidelines, 2015. Collection method: clinical testing. Allele origin: germline.

Baylor Genetics
Classification: Pathogenic for Autosomal recessive nonsyndromic hearing loss 4. Last evaluated: 2022-05-22. Review status: criteria provided, single submitter. Criteria: ACMG Guidelines, 2015. Collection method: clinical testing. Allele origin: unknown.

Labcorp Genetics (formerly Invitae), Labcorp
Classification: Pathogenic. Last evaluated: 2022-01-26. Review status: criteria provided, single submitter. Criteria: Invitae Variant Classification Sherloc (09022015). Collection method: clinical testing. Allele origin: germline.
Comment: For these reasons, this variant has been classified as Pathogenic. ClinVar contains an entry for this variant (Variation ID: 43504). This premature translational stop signal has been observed in individual(s) with deafness and/or enlarged vestibular aqueducts (PMID: 17718863, 30842343, 30896630, 33597575). This variant is present in population databases (rs397516416, gnomAD 0.004%). This sequence change creates a premature translational stop signal (p.Gln446*) in the SLC26A4 gene. It is expected to result in an absent or disrupted protein product. Loss-of-function variants in SLC26A4 are known to be pathogenic (PMID: 16283880, 25394566, 26252218, 26445815).

Genome-Nilou Lab
Classification: Likely pathogenic for Autosomal recessive nonsyndromic hearing loss 4. Last evaluated: 2021-09-05. Review status: criteria provided, single submitter. Criteria: ACMG Guidelines, 2015. Collection method: clinical testing. Allele origin: germline. Affected: no.

Genome-Nilou Lab
Classification: Likely pathogenic for Pendred syndrome. Last evaluated: 2021-09-05. Review status: criteria provided, single submitter. Criteria: ACMG Guidelines, 2015. Collection method: clinical testing. Allele origin: germline. Affected: no.

Laboratory for Molecular Medicine, Mass General Brigham Personalized Medicine
Classification: Pathogenic for Rare genetic deafness. Last evaluated: 2011-07-28. Review status: criteria provided, single submitter. Criteria: LMM Criteria. Collection method: clinical testing. Allele origin: germline. Inheritance: Autosomal recessive inheritance. Observed: 1 variant allele.
Comment: The Gln446X variant in SLC26A4 has been reported as a compound heterozygous vari ant in one proband with hearing loss and EVA and was absent in 168 normal hearin g controls (Wang 2007). In addition, this variant leads to a premature stop codo n at position 446, which is predicted to lead to a truncated or absent protein. In summary, this variant meets our criteria to be classified as pathogenic.

Juno Genomics, Hangzhou Juno Genomics, Inc
Classification: Pathogenic for Autosomal recessive nonsyndromic hearing loss 4; Pendred syndrome. Review status: criteria provided, single submitter. Criteria: ACMG Guidelines, 2015. Collection method: clinical testing. Allele origin: germline.
Comment: Absent from controls (or at extremely low frequency if recessive) in Genome Aggregation Database.;Null variant in a gene where loss of function (LOF) is a known mechanism of disease.;For recessive disorders, detected in trans with a pathogenic variant.

Counsyl
Classification: Likely pathogenic for Pendred's syndrome. Last evaluated: 2014-03-27. Review status: no assertion criteria provided. Collection method: literature only. Allele origin: unknown. Inheritance: Autosomal recessive inheritance. Not counted in ClinVar's aggregate classification.

Literature cited by the submitters: PubMed 33597575 (cited by Natera, Inc. and Labcorp Genetics (formerly Invitae), Labcorp); PubMed 17718863 (cited by 3 submitters); PubMed 30842343 (cited by Labcorp Genetics (formerly Invitae), Labcorp); PubMed 30896630 (cited by Labcorp Genetics (formerly Invitae), Labcorp); PubMed 16283880 (cited by Labcorp Genetics (formerly Invitae), Labcorp); PubMed 25394566 (cited by Labcorp Genetics (formerly Invitae), Labcorp); PubMed 26252218 (cited by Labcorp Genetics (formerly Invitae), Labcorp); PubMed 26445815 (cited by Labcorp Genetics (formerly Invitae), Labcorp); PubMed 23918157 (cited by Counsyl).

NM_000441.2(SLC26A4):c.1336C>T (p.Gln446Ter)

Gene: SLC26A4 (solute carrier family 26 member 4; plus strand). Cytogenetic location: 7q22.3.
Variant type: single nucleotide variant.
Coding change: c.1336C>T on transcript NM_000441.2 (MANE Select); coding-DNA position 1336, C replaced by T.
Protein change: p.Gln446Ter; replaces glutamine 446 with a stop codon.
Molecular consequence: nonsense.
Genome position (GRCh38, 1-based): chr7:107,694,475, C>T. VCF-style: chr7-107694475-C-T. GRCh37 (hg19) VCF-style: chr7-107334920-C-T.
Other names: short protein forms Q446*.
Identifiers: ClinVar variation 43504 (VCV000043504.20), dbSNP rs397516416, ClinGen allele CA261408.